The following is an entry in ClinVar:

NM_206933.4(USH2A):c.13858A>G (p.Ser4620Gly)

Gene: USH2A (usherin; minus strand). Cytogenetic location: 1q41.
Variant type: single nucleotide variant.
Coding change: c.13858A>G on transcript NM_206933.4 (MANE Select); coding-DNA position 13858, A replaced by G.
Protein change: p.Ser4620Gly; replaces serine 4620 with glycine.
Molecular consequence: missense variant.
Genome position (GRCh38, 1-based): chr1:215,671,247, T>C on the plus strand (A>G on the coding strand, the complement: USH2A is on the minus strand). VCF-style: chr1-215671247-T-C. GRCh37 (hg19) VCF-style: chr1-215844589-T-C.
Other names: short protein forms S4620G.
Identifiers: ClinVar variation 2050805 (VCV002050805.4), dbSNP rs1204592073, ClinGen allele CA344841797.

ClinVar aggregate classification (germline): Uncertain significance (1 of 4 stars; one submission).

Allele frequency attached by ClinVar (database versions not stated): TOPMed below 0.00001.
gnomAD v4.1: 3 of 1,614,150 alleles (0.00019%); highest among the groups gnomAD compares: South Asian, 0.0033%; no homozygotes.

Submission:

Labcorp Genetics (formerly Invitae), Labcorp
Classification: Uncertain significance. Last evaluated: 2022-09-13. Review status: criteria provided, single submitter. Criteria: Invitae Variant Classification Sherloc (09022015). Collection method: clinical testing. Allele origin: germline.
Comment: In summary, the available evidence is currently insufficient to determine the role of this variant in disease. Therefore, it has been classified as a Variant of Uncertain Significance. Advanced modeling of protein sequence and biophysical properties (such as structural, functional, and spatial information, amino acid conservation, physicochemical variation, residue mobility, and thermodynamic stability) performed at Invitae indicates that this missense variant is not expected to disrupt USH2A protein function. This variant has not been reported in the literature in individuals affected with USH2A-related conditions. This variant is not present in population databases (gnomAD no frequency). This sequence change replaces serine, which is neutral and polar, with glycine, which is neutral and non-polar, at codon 4620 of the USH2A protein (p.Ser4620Gly).